The following is an entry in ClinVar:

ClinVar aggregate classification (germline): Uncertain significance. Review status: criteria provided, multiple submitters, no conflicts (2 of 4 stars). 2 submissions from 2 submitters: Uncertain significance (2). Last evaluated 2024-03-06.

Conditions:
RASopathy. Also called: rasopathies; Noonan spectrum disorder. Identifiers: Orphanet 536391, MedGen C5555857, MONDO:0021060.

Submissions (2):

Labcorp Genetics (formerly Invitae), Labcorp
Classification: Uncertain significance for RASopathy. Last evaluated: 2024-03-06. Review status: criteria provided, single submitter. Criteria: Invitae Variant Classification Sherloc (09022015). Collection method: clinical testing. Allele origin: germline.
Comment: This sequence change replaces histidine, which is basic and polar, with arginine, which is basic and polar, at codon 196 of the PTPN11 protein (p.His196Arg). This variant is not present in population databases (gnomAD no frequency). This variant has not been reported in the literature in individuals affected with PTPN11-related conditions. ClinVar contains an entry for this variant (Variation ID: 1313003). Advanced modeling of protein sequence and biophysical properties (such as structural, functional, and spatial information, amino acid conservation, physicochemical variation, residue mobility, and thermodynamic stability) performed at Invitae indicates that this missense variant is expected to disrupt PTPN11 protein function with a positive predictive value of 95%. In summary, the available evidence is currently insufficient to determine the role of this variant in disease. Therefore, it has been classified as a Variant of Uncertain Significance.

GeneDx
Classification: Uncertain significance. Last evaluated: 2020-07-08. Review status: criteria provided, single submitter. Criteria: GeneDx Variant Classification Process June 2021. Collection method: clinical testing. Allele origin: germline. Affected: yes.
Comment: Not observed in large population cohorts (Lek et al., 2016); Missense variants in this gene are often considered pathogenic (Stenson et al., 2014); In silico analysis supports that this missense variant has a deleterious effect on protein structure/function; Has not been previously published as pathogenic or benign to our knowledge

NM_002834.5(PTPN11):c.587A>G (p.His196Arg)

Gene: PTPN11 (protein tyrosine phosphatase non-receptor type 11; plus strand). Cytogenetic location: 12q24.13.
Variant type: single nucleotide variant.
Coding change: c.587A>G on transcript NM_002834.5 (MANE Select); coding-DNA position 587, A replaced by G.
Protein change: p.His196Arg; replaces histidine 196 with arginine.
Molecular consequence: missense variant.
Genome position (GRCh38, 1-based): chr12:112,454,625, A>G. VCF-style: chr12-112454625-A-G. GRCh37 (hg19) VCF-style: chr12-112892429-A-G.
Other names: c.587A>G, p.His196Arg (NM_001330437.2, NM_080601.3); c.584A>G, p.His195Arg (NM_001374625.1); short protein forms H195R, H196R.
Identifiers: ClinVar variation 1313003 (VCV001313003.4), dbSNP rs2135869664, ClinGen allele CA386782419.
Genomic context (GRCh38, chr12:112,454,625, plus strand): 5'-AACTGAAATACGACGTTGGTGGAGGAGAACGGTTTGATTCTTTGACAGATCTTGTGGAAC[A>G]TTATAAGAAGAATCCTATGGTGGAAACATTGGGTACAGTACTACAACTCAAGCAGGTGAG-3'
Protein context (NP_002825.3, residues 186-206): RFDSLTDLVE[His196Arg]YKKNPMVETL